The following is an entry in ClinVar:

NM_001184880.2(PCDH19):c.1740C>G (p.Asn580Lys)

Gene: PCDH19 (protocadherin 19; minus strand). Cytogenetic location: Xq22.1.
Variant type: single nucleotide variant.
Coding change: c.1740C>G on transcript NM_001184880.2 (MANE Select); coding-DNA position 1740, C replaced by G.
Protein change: p.Asn580Lys; replaces asparagine 580 with lysine.
Molecular consequence: missense variant.
Genome position (GRCh38, 1-based): chrX:100,406,858, G>C on the plus strand (C>G on the coding strand, the complement: PCDH19 is on the minus strand). VCF-style: chrX-100406858-G-C. GRCh37 (hg19) VCF-style: chrX-99661856-G-C.
Other names: p.N580K:AAC>AAG; c.1740C>G, p.Asn580Lys (NM_001105243.2, NM_020766.3); short protein forms N580K.
Identifiers: ClinVar variation 206297 (VCV000206297.9), dbSNP rs763798306, ClinGen allele CA316248.
Genomic context (GRCh38, chrX:100,406,858, plus strand): 5'-ATTTTCGCCCTCATCGTAGTCTTCTGCCTTGACAACAGTCACCAGGTAGCCTATGCCAGA[G>C]TTGCGGGGTATGTAGACCTCGGCAGTGCCGTTAATCAGAGGTGGGGCTGTGATGACCGGG-3'
Protein context (NP_001171809.1, residues 570-590): NGTAEVYIPR[Asn580Lys]SGIGYLVTVV

ClinVar aggregate classification (germline): Conflicting classifications of pathogenicity. Review status: criteria provided, conflicting classifications (1 of 4 stars). 2 submissions from 2 submitters: Uncertain significance (1); Likely benign (1). Last evaluated 2025-10-26.

Conditions:
Developmental and epileptic encephalopathy, 9 (DEE9). Also called: Early infantile epileptic encephalopathy 9; EPILEPSY, FEMALE-RESTRICTED, WITH MENTAL RETARDATION; PCDH19-Related X-Linked Female-Limited Epilepsy with Mental Retardation; JUBERG-HELLMAN SYNDROME. Identifiers: Orphanet 101039, Orphanet 2076, MedGen C1848137, MONDO:0010246, OMIM 300088. Disease mechanism: loss of function.

Allele frequency attached by ClinVar (database versions not stated): ExAC 0.00001; gnomAD 0.00001; gnomAD exomes 0.00001 and 0.00002; TOPMed 0.00001.
gnomAD v4.1: 18 of 1,210,294 alleles (0.0015%); highest among the groups gnomAD compares: East Asian, 0.053%; no homozygotes.

Submissions (2):

Labcorp Genetics (formerly Invitae), Labcorp
Classification: Uncertain significance for Developmental and epileptic encephalopathy, 9. Last evaluated: 2025-10-26. Review status: criteria provided, single submitter. Criteria: Invitae Variant Classification Sherloc (09022015). Collection method: clinical testing. Allele origin: germline.
Comment: This sequence change replaces asparagine, which is neutral and polar, with lysine, which is basic and polar, at codon 580 of the PCDH19 protein (p.Asn580Lys). This variant is present in population databases (rs763798306, gnomAD 0.02%). This variant has not been reported in the literature in individuals affected with PCDH19-related conditions. ClinVar contains an entry for this variant (Variation ID: 206297). Invitae Evidence Modeling of protein sequence and biophysical properties (such as structural, functional, and spatial information, amino acid conservation, physicochemical variation, residue mobility, and thermodynamic stability) has been performed for this missense variant. However, the output from this modeling did not meet the statistical confidence thresholds required to predict the impact of this variant on PCDH19 protein function. In summary, the available evidence is currently insufficient to determine the role of this variant in disease. Therefore, it has been classified as a Variant of Uncertain Significance.

GeneDx
Classification: Likely benign. Last evaluated: 2013-01-29. Review status: criteria provided, single submitter. Criteria: GeneDx Variant Classification (06012015). Collection method: clinical testing. Allele origin: germline. Affected: yes.
Comment: This variant is considered likely benign or benign based on one or more of the following criteria: it is a conservative change, it occurs at a poorly conserved position in the protein, it is predicted to be benign by multiple in silico algorithms, and/or has population frequency not consistent with disease.